The following is an entry in ClinVar:

ClinVar aggregate classification (germline): Uncertain significance. Review status: criteria provided, multiple submitters, no conflicts (2 of 4 stars). 2 submissions from 2 submitters: Uncertain significance (2). Last evaluated 2025-12-03.

Allele frequency attached by ClinVar (database versions not stated): gnomAD 0.00001 and 0.00002; ExAC 0.00006; gnomAD exomes 0.00008; TOPMed 0.00008.
gnomAD v4.1: 79 of 1,582,502 alleles (0.005%); highest among the groups gnomAD compares: Admixed American, 0.022%; no homozygotes.

Submissions (2):

Labcorp Genetics (formerly Invitae), Labcorp
Classification: Uncertain significance. Last evaluated: 2025-12-03. Review status: criteria provided, single submitter. Criteria: Invitae Variant Classification Sherloc (09022015). Collection method: clinical testing. Allele origin: germline.
Comment: This sequence change replaces glycine, which is neutral and non-polar, with serine, which is neutral and polar, at codon 560 of the FBN3 protein (p.Gly560Ser). This variant is present in population databases (rs749368441, gnomAD 0.02%). This variant has not been reported in the literature in individuals affected with FBN3-related conditions. ClinVar contains an entry for this variant (Variation ID: 1356674). Invitae Evidence Modeling of protein sequence and biophysical properties (such as structural, functional, and spatial information, amino acid conservation, physicochemical variation, residue mobility, and thermodynamic stability) indicates that this missense variant is expected to disrupt FBN3 protein function with a positive predictive value of 80%. In summary, the available evidence is currently insufficient to determine the role of this variant in disease. Therefore, it has been classified as a Variant of Uncertain Significance.

Ambry Genetics
Classification: Uncertain significance. Last evaluated: 2025-08-23. Review status: criteria provided, single submitter. Criteria: Ambry Variant Classification Scheme 2023. Collection method: clinical testing. Allele origin: germline.

NM_032447.5(FBN3):c.1678G>A (p.Gly560Ser)

Gene: FBN3 (fibrillin 3; minus strand). Cytogenetic location: 19p13.2.
Variant type: single nucleotide variant.
Coding change: c.1678G>A on transcript NM_032447.5 (MANE Select); coding-DNA position 1678, G replaced by A.
Protein change: p.Gly560Ser; replaces glycine 560 with serine.
Molecular consequence: missense variant.
Genome position (GRCh38, 1-based): chr19:8,133,020, C>T on the plus strand (G>A on the coding strand, the complement: FBN3 is on the minus strand). VCF-style: chr19-8133020-C-T. GRCh37 (hg19) VCF-style: chr19-8197904-C-T.
Other names: c.1678G>A, p.Gly560Ser (NM_001321431.2); c.1678G>A (NM_032447.3); short protein forms G560S.
Identifiers: ClinVar variation 1356674 (VCV001356674.7), dbSNP rs749368441, ClinGen allele CA9153213.